The following is an entry in ClinVar:

ClinVar aggregate classification (germline): Pathogenic. Review status: criteria provided, multiple submitters, no conflicts (2 of 4 stars). 11 submissions from 8 submitters: Pathogenic (7). 4 of the submissions do not count toward it. Last evaluated 2025-06-30.

Conditions:
G6PD-related disorders.
Anemia, nonspherocytic hemolytic, due to G6PD deficiency (CNSHA1). Also called: ANEMIA, CONGENITAL, NONSPHEROCYTIC HEMOLYTIC, 1; Class I glucose-6-phosphate dehydrogenase deficiency; Favism, susceptibility to; Hemolytic anemia due to G6PD deficiency. Identifiers: Orphanet 466026, MedGen C2720289, MONDO:0010480, OMIM 300908.
G6PD ANAHEIM.
G6PD NASHVILLE.
G6PD PORTICI.

Submissions (11):

ARUP Laboratories, Molecular Genetics and Genomics, ARUP Laboratories
Classification: Pathogenic. Last evaluated: 2025-06-30. Review status: criteria provided, single submitter. Criteria: ARUP Molecular Germline Variant Investigation Process 2024. Collection method: clinical testing. Allele origin: germline.
Comment: The G6PD c.1178G>A; p.Arg393His variant (rs137852316, ClinVar Variation ID: 10370), also known as G6PD Nashville/Anaheim/Calgary/Portici, is considered a Class I variant and has been reported in the literature in individuals and families with severe glucose-6-phosphate dehydrogenase (G6PD) deficiency (Beutler 1991, Filosa 1992, Gomez-Manzo 2014). This variant is absent from the Genome Aggregation Database (v2.1.1), indicating it is not a common polymorphism. Additionally, another variant at this codon (c.1177C>G; p.Arg393Gly) has been reported in individuals with G6PD deficiency and is considered to be disease-causing (Beutler 1995). Functional analyses of the p.Arg393His variant protein show decreased enzyme activity due to enhanced structural instability (Horikoshi 2021, Wang 2009, Wang 2006). Computational analyses predict that the p.Arg393His variant is deleterious (REVEL: 0.952). Based on available information, this variant is considered to be pathogenic. References: Beutler E et al. DNA sequence abnormalities of human glucose-6-phosphate dehydrogenase variants. J Biol Chem. 1991 Mar 5. PMID: 1999409. Beutler E et al. Three new exon 10 glucose-6-phosphate dehydrogenase mutations. Blood Cells Mol Dis. 1995 PMID: 7655862. Filosa S et al. Molecular basis of chronic non-spherocytic haemolytic anaemia: a new G6PD variant (393 Arg----His) with abnormal KmG6P and marked in vivo instability. Br J Haematol. 1992 Jan. PMID: 1536798. GÃ³mez-Manzo S et al. The stability of G6PD is affected by mutations with different clinical phenotypes. Int J Mol Sci. 2014 Nov 17. PMID: 25407525. Horikoshi N et al. Long-range structural defects by pathogenic mutations in most severe glucose-6-phosphate dehydrogenase deficiency. Proc Natl Acad Sci U S A. 2021 Jan 26. PMID: 33468660. Wang XT et al. Clinical mutants of human glucose 6-phosphate dehydrogenase: impairment of NADP(+) binding affects both folding and stability. Biochim Biophys Acta. 2009 Aug. PMID: 19465117. Wang XT et al. Functional properties of two mutants of human glucose 6-phosphate dehydrogenase, R393G and R393H, corresponding to the clinical variants G6PD Wisconsin and Nashville. Biochim Biophys Acta. 2006 Aug. PMID: 16934959.

Blueprint Genetics
Classification: Pathogenic for G6PD-related disorders. Last evaluated: 2024-06-26. Review status: criteria provided, single submitter. Criteria: ACMG Guidelines, 2015. Collection method: clinical testing. Allele origin: germline. Affected: yes. Observed: 1 variant allele.

Revvity Omics, Revvity
Classification: Pathogenic for Anemia, nonspherocytic hemolytic, due to G6PD deficiency. Last evaluated: 2023-04-11. Review status: criteria provided, single submitter. Criteria: ACMG Guidelines, 2015. Collection method: clinical testing. Allele origin: germline.

Mayo Clinic Laboratories, Mayo Clinic
Classification: Pathogenic. Last evaluated: 2023-02-20. Review status: criteria provided, single submitter. Criteria: ACMG Guidelines, 2015. Collection method: clinical testing. Allele origin: germline. Observed: 1 variant allele.
Comment: PP3, PP5, PM2, PS3, PS4_moderate

Dunham Lab, University of Washington
Classification: Pathogenic for Anemia, nonspherocytic hemolytic, due to G6PD deficiency. Last evaluated: 2022-08-12. Review status: criteria provided, single submitter. Criteria: Bayesian ACMG Guidelines, 2018. Collection method: curation. Allele origin: inherited. Affected: yes.
Comment: Variant found in unrelated hemizygotes with deficiency, acute anemia, and CNSHA (PS4_M, PP4). In one family, heizygous brothers both have deficiency and acute or chronic anemia (PP1). Decreased activity in red blood cells (1-33%) (PS3). Within dimer interface (PM1). Predicted to be deleterious by SIFT, Polyphen, and MutationTaster (PP3). Not found in gnomAD (PM2). Reported as pathogenic by Invitae and ARUP Laboratories (PP5). Post_P 0.9997 (odds of pathogenicity 28416, Prior_P 0.1).

Labcorp Genetics (formerly Invitae), Labcorp
Classification: Pathogenic for Anemia, nonspherocytic hemolytic, due to G6PD deficiency. Last evaluated: 2021-05-07. Review status: criteria provided, single submitter. Criteria: Invitae Variant Classification Sherloc (09022015). Collection method: clinical testing. Allele origin: germline.
Comment: This variant has been observed in individual(s) with glucose-6-phosphate dehydrogenase deficiency (PMID: 1999409, 1536798). ClinVar contains an entry for this variant (Variation ID: 10370). This variant is not present in population databases (ExAC no frequency). This sequence change replaces arginine with histidine at codon 393 of the G6PD protein (p.Arg393His). The arginine residue is highly conserved and there is a small physicochemical difference between arginine and histidine. Advanced modeling of protein sequence and biophysical properties (such as structural, functional, and spatial information, amino acid conservation, physicochemical variation, residue mobility, and thermodynamic stability) performed at Invitae indicates that this missense variant is expected to disrupt G6PD protein function. For these reasons, this variant has been classified as Pathogenic. Experimental studies have shown that this variant affects G6PD protein function (PMID: 16934959, 19465117, 25407525).

3billion
Classification: Pathogenic for Anemia, nonspherocytic hemolytic, due to G6PD deficiency. Review status: criteria provided, single submitter. Criteria: ACMG Guidelines, 2015. Collection method: clinical testing. Allele origin: unknown. Affected: yes. Observed: 1 hemizygote.
Comment: The variant is not observed in the gnomAD v2.1.1 dataset. The variant is located in a mutational hot spot and/or well-established functional domain in which established pathogenic variants have been reported. Missense changes are a common disease-causing mechanism. Functional studies provide strong evidence of the variant having a damaging effect on the gene or gene product (PMID: 1536798, 16934959, 19224086, 25407525). In silico tool predictions suggest damaging effect of the variant on gene or gene product (REVEL: 0.95; 3Cnet: 0.84). Same nucleotide change resulting in same amino acid change has been previously reported as pathogenic/likely pathogenic with strong evidence (ClinVar ID: VCV000010370 / PMID: 1999409). The variant has been observed in at least two similarly affected unrelated individuals (PMID: 1536798, 1999409). Different missense changes at the same codon (p.Arg393Cys, p.Arg393Gly) have been reported as pathogenic/likely pathogenic with strong evidence (ClinVar ID: VCV001066811, VCV001722672 / PMID: 7655862). Therefore, this variant is classified as Pathogenic according to the recommendation of ACMG/AMP guideline.

OMIM
Classification: other for G6PD PORTICI. Last evaluated: 1992-01-01. Review status: no assertion criteria provided. Collection method: literature only. Allele origin: germline. Not counted in ClinVar's aggregate classification.

OMIM
Classification: Pathogenic for ANEMIA, CONGENITAL, NONSPHEROCYTIC HEMOLYTIC, 1. Last evaluated: 1992-01-01. Review status: no assertion criteria provided. Collection method: literature only. Allele origin: germline. Not counted in ClinVar's aggregate classification.

OMIM
Classification: other for G6PD NASHVILLE. Last evaluated: 1990-12-01. Review status: no assertion criteria provided. Collection method: literature only. Allele origin: germline. Not counted in ClinVar's aggregate classification.

OMIM
Classification: other for G6PD ANAHEIM. Last evaluated: 1990-12-01. Review status: no assertion criteria provided. Collection method: literature only. Allele origin: germline. Not counted in ClinVar's aggregate classification.

Literature cited by the submitters: PubMed 32425388 (cited by Dunham Lab, University of Washington); PubMed 1536798 (cited by 4 submitters); PubMed 1999409 (cited by 3 submitters); PubMed 9674740 (cited by Dunham Lab, University of Washington); PubMed 10571945 (cited by Dunham Lab, University of Washington); PubMed 7858267 (cited by Dunham Lab, University of Washington); PubMed 31294066 (cited by Dunham Lab, University of Washington); PubMed 16934959 (cited by Labcorp Genetics (formerly Invitae), Labcorp and 3billion); PubMed 19465117 (cited by Labcorp Genetics (formerly Invitae), Labcorp); PubMed 25407525 (cited by Labcorp Genetics (formerly Invitae), Labcorp and 3billion); PubMed 7655862 (cited by 3billion); PubMed 19224086 (cited by 3billion); Filosa, E. Personal Communication. 1989. La Jolla, Calif. (cited by OMIM); PubMed 1978554 (cited by OMIM).

NM_000402.4(G6PD):c.1268G>A (p.Arg423His)

Gene: G6PD (glucose-6-phosphate dehydrogenase; minus strand). Cytogenetic location: Xq28.
Variant type: single nucleotide variant.
Coding change: c.1268G>A on transcript NM_000402.4; coding-DNA position 1268, G replaced by A.
Protein change: p.Arg423His; replaces arginine 423 with histidine.
Molecular consequence: missense variant.
Genome position (GRCh38, 1-based): chrX:154,532,676, C>T on the plus strand (G>A on the coding strand, the complement: G6PD is on the minus strand). VCF-style: chrX-154532676-C-T. GRCh37 (hg19) VCF-style: chrX-153760891-C-T.
Other names: G6PD, ARG393HIS; G6PD Portici; G6PD Anaheim; G6PD Nashville; p.Arg393His; c.1178G>A, p.Arg393His (NM_001042351.3, NM_001360016.2); c.1178G>A (NM_001042351.1, NM_001042351.2); short protein forms R393H, R423H.
Identifiers: ClinVar variation 10370 (VCV000010370.26), dbSNP rs137852316, ClinGen allele CA120959.